The following is an entry in ClinVar:

NM_001005242.3(PKP2):c.1887C>T (p.Gly629=)

Gene: PKP2 (plakophilin 2; minus strand). Cytogenetic location: 12p11.21.
Variant type: single nucleotide variant.
Coding change: c.1887C>T on transcript NM_001005242.3 (MANE Select); coding-DNA position 1887, C replaced by T.
Protein change: p.Gly629=; no amino-acid change (glycine 629 retained).
Molecular consequence: synonymous variant.
Genome position (GRCh38, 1-based): chr12:32,821,482, G>A on the plus strand (C>T on the coding strand, the complement: PKP2 is on the minus strand). VCF-style: chr12-32821482-G-A. GRCh37 (hg19) VCF-style: chr12-32974416-G-A.
Other names: c.2019C>T, p.Gly673= (NM_004572.4).
Identifiers: ClinVar variation 626530 (VCV000626530.60), dbSNP rs368325383, ClinGen allele CA032243.
Genomic context (GRCh38, chr12:32,821,482, plus strand): 5'-ACTTTTGGCGATCAAGGACAGATACATCCTTATAACAATGGAATGCCACAGCCACTCCAC[G>A]CCCTTGGGGTTGCTCTTTTCCTCCGGCATCGGCACGTCCTGGTATTGCTGACCACACACA-3'
Protein context (NP_001005242.2, residues 619-639): PMPEEKSNPK[Gly629=]VEWLWHSIVI

ClinVar aggregate classification (germline): Conflicting classifications of pathogenicity. Review status: criteria provided, conflicting classifications (1 of 4 stars). 8 submissions from 8 submitters: Uncertain significance (2); Likely benign (6). Last evaluated 2025-12-14.

Conditions:
Arrhythmogenic right ventricular cardiomyopathy (ARVD). Also called: Arrhythmogenic right ventricular dysplasia; Cardiomyopathy, ARVC; Arrhythmogenic cardiomyopathy; Arrhythmogenic Right Ventricular Cardiomyopathy (ARVC). Identifiers: Orphanet 247, MedGen C0349788, MeSH D019571, MONDO:0016587. Disease mechanism: loss of function. Inheritance: Various modes of inheritance.
Cardiovascular phenotype. Identifiers: MedGen CN230736.
Cardiomyopathy (CMYO). Also called: Cardiomyopathies. Identifiers: Orphanet 167848, MedGen C0878544, MONDO:0004994, HP:0001638. Inheritance: Various modes of inheritance.
Arrhythmogenic right ventricular dysplasia 9 (ARVD9). Also called: ARRHYTHMOGENIC RIGHT VENTRICULAR DYSPLASIA, FAMILIAL, 9; Arrhythmogenic Right Ventricular Dysplasia/Cardiomyopathy 9. Identifiers: MedGen C1836906, MONDO:0012180, OMIM 609040.

Allele frequency attached by ClinVar (database versions not stated): gnomAD 0.00002; ExAC 0.00003; gnomAD exomes 0.00003 and 0.00004; TOPMed 0.00005; ESP Exome Variant Server 0.00008.
gnomAD v4.1: 58 of 1,613,882 alleles (0.0036%); highest among the groups gnomAD compares: South Asian, 0.0066%; no homozygotes.

Submissions (8):

Labcorp Genetics (formerly Invitae), Labcorp
Classification: Likely benign for Arrhythmogenic right ventricular dysplasia 9. Last evaluated: 2025-12-14. Review status: criteria provided, single submitter. Criteria: Invitae Variant Classification Sherloc (09022015). Collection method: clinical testing. Allele origin: germline.

All of Us Research Program, National Institutes of Health
Classification: Likely benign for Arrhythmogenic right ventricular cardiomyopathy. Last evaluated: 2023-12-13. Review status: criteria provided, single submitter. Criteria: ACMG Guidelines, 2015. Collection method: clinical testing. Allele origin: germline. Inheritance: Autosomal dominant inheritance. Observed: 10 variant alleles, 10 heterozygotes.
Comment: This study involves interpretation of variants in research participants for the purpose of population health screening. Participant phenotype was not available at the time of variant classification. Additional details can be found in publication PMID: 35346344, PMCID: PMC8962531

Women's Health and Genetics/Laboratory Corporation of America, LabCorp
Classification: Likely benign. Last evaluated: 2023-05-06. Review status: criteria provided, single submitter. Criteria: LabCorp Variant Classification Summary - May 2015. Collection method: clinical testing. Allele origin: germline.

Ambry Genetics
Classification: Likely benign for Cardiovascular phenotype. Last evaluated: 2021-07-27. Review status: criteria provided, single submitter. Criteria: Ambry Variant Classification Scheme 2023. Collection method: clinical testing. Allele origin: germline.

CeGaT Center for Human Genetics Tuebingen
Classification: Likely benign. Last evaluated: 2021-03-01. Review status: criteria provided, single submitter. Criteria: CeGaT Center For Human Genetics Tuebingen Variant Classification Criteria Version 2. Collection method: clinical testing. Allele origin: germline. Affected: yes. Observed: 1 variant allele.

Color Diagnostics, LLC DBA Color Health
Classification: Likely benign for Cardiomyopathy. Last evaluated: 2020-06-29. Review status: criteria provided, single submitter. Criteria: ACMG Guidelines, 2015. Collection method: clinical testing. Allele origin: germline.

Illumina Laboratory Services, Illumina
Classification: Uncertain significance for Arrhythmogenic right ventricular dysplasia 9. Last evaluated: 2018-01-13. Review status: criteria provided, single submitter. Criteria: ICSL Variant Classification Criteria 13 December 2019. Collection method: clinical testing. Allele origin: germline.

CHEO Genetics Diagnostic Laboratory, Children's Hospital of Eastern Ontario
Classification: Uncertain significance for Cardiomyopathy. Last evaluated: 2017-09-15. Review status: criteria provided, single submitter. Criteria: ACMG Guidelines, 2015. Collection method: clinical testing. Allele origin: germline. Study: Canadian Open Genetics Repository.